The following is an entry in ClinVar:

NM_006767.4(LZTR1):c.2447T>A (p.Leu816Gln)

Gene: LZTR1 (leucine zipper like post translational regulator 1; plus strand). Cytogenetic location: 22q11.21.
Variant type: single nucleotide variant.
Coding change: c.2447T>A on transcript NM_006767.4 (MANE Select); coding-DNA position 2447, T replaced by A.
Protein change: p.Leu816Gln; replaces leucine 816 with glutamine.
Molecular consequence: missense variant.
Genome position (GRCh38, 1-based): chr22:20,997,272, T>A. VCF-style: chr22-20997272-T-A. GRCh37 (hg19) VCF-style: chr22-21351561-T-A.
Other names: short protein forms L816Q.
Identifiers: ClinVar variation 1791411 (VCV001791411.2), dbSNP rs2518626709, ClinGen allele CA410781656.

ClinVar aggregate classification (germline): Uncertain significance (1 of 4 stars; one submission).

Conditions:
Hereditary cancer-predisposing syndrome. Also called: Hereditary Cancer Syndrome; Hereditary neoplastic syndrome; Tumor predisposition; Neoplastic Syndromes, Hereditary. Identifiers: Orphanet 140162, MedGen C0027672, MeSH D009386, MONDO:0015356.
Cardiovascular phenotype. Identifiers: MedGen CN230736.

Submission:

Ambry Genetics
Classification: Uncertain significance for Cardiovascular phenotype; Hereditary cancer-predisposing syndrome. Last evaluated: 2022-02-21. Review status: criteria provided, single submitter. Criteria: Ambry Variant Classification Scheme 2023. Collection method: clinical testing. Allele origin: germline.
Comment: The p.L816Q variant (also known as c.2447T>A), located in coding exon 21 of the LZTR1 gene, results from a T to A substitution at nucleotide position 2447. The leucine at codon 816 is replaced by glutamine, an amino acid with dissimilar properties. This amino acid position is conserved. In addition, the in silico prediction for this alteration is inconclusive. Since supporting evidence is limited at this time, the clinical significance of this alteration remains unclear.